The following is an entry in ClinVar:

ClinVar aggregate classification (germline): Conflicting classifications of pathogenicity. Review status: criteria provided, conflicting classifications (1 of 4 stars). 2 submissions from 2 submitters: Uncertain significance (1); Likely benign (1). Last evaluated 2022-11-02.

Allele frequency attached by ClinVar (database versions not stated): gnomAD exomes below 0.00001; ExAC 0.00001.
gnomAD v4.1: 1 of 1,552,952 alleles (0.000064%); highest among the groups gnomAD compares: Non-Finnish European, 0.000087%; no homozygotes.

Submissions (2):

Ambry Genetics
Classification: Likely benign. Last evaluated: 2022-11-02. Review status: criteria provided, single submitter. Criteria: Ambry Variant Classification Scheme 2023. Collection method: clinical testing. Allele origin: germline.

Labcorp Genetics (formerly Invitae), Labcorp
Classification: Uncertain significance. Last evaluated: 2022-02-10. Review status: criteria provided, single submitter. Criteria: Invitae Variant Classification Sherloc (09022015). Collection method: clinical testing. Allele origin: germline.
Comment: This sequence change replaces isoleucine, which is neutral and non-polar, with valine, which is neutral and non-polar, at codon 730 of the RINT1 protein (p.Ile730Val). This variant is present in population databases (rs778784751, gnomAD 0.001%). This variant has not been reported in the literature in individuals affected with RINT1-related conditions. Algorithms developed to predict the effect of missense changes on protein structure and function output the following: SIFT: "Tolerated"; PolyPhen-2: "Benign"; Align-GVGD: "Class C0". The valine amino acid residue is found in multiple mammalian species, which suggests that this missense change does not adversely affect protein function. In summary, the available evidence is currently insufficient to determine the role of this variant in disease. Therefore, it has been classified as a Variant of Uncertain Significance.

NM_021930.6(RINT1):c.2188A>G (p.Ile730Val)

Genes: EFCAB10 (EF-hand calcium binding domain 10; minus strand), RINT1 (RAD50 interactor 1; plus strand). Cytogenetic location: 7q22.3.
Variant type: single nucleotide variant.
Coding change: c.2188A>G on transcript NM_021930.6 (MANE Select); coding-DNA position 2188, A replaced by G.
Protein change: p.Ile730Val; replaces isoleucine 730 with valine.
Molecular consequence: missense variant. On other transcripts: 3 prime UTR variant (2), non-coding transcript variant (1), intron variant (3).
Genome position (GRCh38, 1-based): chr7:105,567,120, A>G. VCF-style: chr7-105567120-A-G. GRCh37 (hg19) VCF-style: chr7-105207567-A-G.
Other names: c.*334T>C (NM_001355527.2, NM_001355529.2); c.1954A>G, p.Ile652Val (NM_001346599.2); c.1165A>G, p.Ile389Val (NM_001346600.2, NM_001346603.2); c.1264A>G, p.Ile422Val (NM_001346601.2); c.360-1673T>C (NM_001355531.2); c.383+347T>C (NM_001355526.2, NM_001355530.2); short protein forms I422V, I652V, I730V, I389V.
Identifiers: ClinVar variation 2154415 (VCV002154415.6), dbSNP rs778784751, ClinGen allele CA4426911.